The following is an entry in ClinVar:

NM_014225.6(PPP2R1A):c.169+11G>T

Gene: PPP2R1A (protein phosphatase 2 scaffold subunit Aalpha; plus strand). Cytogenetic location: 19q13.41.
Variant type: single nucleotide variant.
Coding change: c.169+11G>T on transcript NM_014225.6 (MANE Select); 11 bases into the intron after coding-DNA position 169, G replaced by T.
Molecular consequence: intron variant.
Genome position (GRCh38, 1-based): chr19:52,202,045, G>T. VCF-style: chr19-52202045-G-T. GRCh37 (hg19) VCF-style: chr19-52705298-G-T.
Other names: c.-369+11G>T (NM_001363656.2).
Identifiers: ClinVar variation 1420429 (VCV001420429.8), dbSNP rs1486590815, ClinGen allele CA633760375.
Genomic context (GRCh38, chr19:52,202,045, plus strand): 5'-GGCCCTTGGGGTTGAAAGGACCCGAAGTGAGCTTCTGCCTTTCCTTACAGGTAACAAAGG[G>T]GACCCCTGGGGCCCAGATGTGGGGACTCTTGGGAGGTGGTTTTCACTATATAAGAGAAGA-3'

ClinVar aggregate classification (germline): Uncertain significance (1 of 4 stars; one submission).

Allele frequency attached by ClinVar (database versions not stated): gnomAD exomes below 0.00001; TOPMed below 0.00001.
gnomAD v4.1: 1 of 1,611,630 alleles (0.000062%); highest among the groups gnomAD compares: Admixed American, 0.0017%; no homozygotes.

Submission:

Labcorp Genetics (formerly Invitae), Labcorp
Classification: Uncertain significance. Last evaluated: 2021-06-24. Review status: criteria provided, single submitter. Criteria: Invitae Variant Classification Sherloc (09022015). Collection method: clinical testing. Allele origin: germline.
Comment: This sequence change falls in intron 2 of the PPP2R1A gene. It does not directly change the encoded amino acid sequence of the PPP2R1A protein. In summary, the available evidence is currently insufficient to determine the role of this variant in disease. Therefore, it has been classified as a Variant of Uncertain Significance. Algorithms developed to predict the effect of sequence changes on RNA splicing suggest that this variant may create or strengthen a splice site, but this prediction has not been confirmed by published transcriptional studies. This variant has not been reported in the literature in individuals with PPP2R1A-related conditions. This variant is not present in population databases (ExAC no frequency).